The following is an entry in ClinVar:

NM_014639.4(SKIC3):c.402+4_402+14dup

Gene: SKIC3 (SKI3 subunit of superkiller complex; minus strand). Cytogenetic location: 5q15.
Variant type: Duplication.
Coding change: c.402+4_402+14dup on transcript NM_014639.4 (MANE Select); bases 4 to 14 of the intron after coding-DNA position 402, 11 bases duplicated (GGTGAATGATT).
Molecular consequence: splice donor variant.
Genome position (GRCh38, 1-based): chr5:95,541,291-95,541,301, AATCATTCACC duplicated on the plus strand (GGTGAATGATT on the coding strand, the reverse complement: SKIC3 is on the minus strand); duplicating any 11 consecutive bases within chr5:95,541,291-95,541,303 gives the same sequence; the c. name uses the placement nearest the transcript's 3' end. VCF-style (leftmost placement, unchanged base first): chr5-95541290-A-AAATCATTCACC. GRCh37 (hg19) VCF-style: chr5-94876994-A-AAATCATTCACC.
Identifiers: ClinVar variation 1473896 (VCV001473896.8), dbSNP rs2112371983, ClinGen allele CA2573140058.

ClinVar aggregate classification (germline): Uncertain significance (1 of 4 stars; one submission).

Submission:

Labcorp Genetics (formerly Invitae), Labcorp
Classification: Uncertain significance. Last evaluated: 2021-02-25. Review status: criteria provided, single submitter. Criteria: Invitae Variant Classification Sherloc (09022015). Collection method: clinical testing. Allele origin: germline.
Comment: This sequence change falls in intron 7 of the TTC37 gene. It does not directly change the encoded amino acid sequence of the TTC37 protein. This variant is not present in population databases (ExAC no frequency). This variant has not been reported in the literature in individuals with TTC37-related conditions. Algorithms developed to predict the effect of sequence changes on RNA splicing suggest that this variant may create or strengthen a splice site, but this prediction has not been confirmed by published transcriptional studies. In summary, the available evidence is currently insufficient to determine the role of this variant in disease. Therefore, it has been classified as a Variant of Uncertain Significance.